The following is an entry in ClinVar:

ClinVar aggregate classification (germline): Uncertain significance (1 of 4 stars; one submission).

Conditions:
Beta-D-mannosidosis (MANSB). Also called: Beta-Mannosidosis; MANNOSIDOSIS, BETA A, LYSOSOMAL; BETA-MANNOSIDASE DEFICIENCY; LYSOSOMAL BETA-MANNOSIDASE DEFICIENCY. Identifiers: Orphanet 118, MedGen C4048196, MONDO:0009562, OMIM 248510.

Allele frequency attached by ClinVar (database versions not stated): gnomAD exomes below 0.00001; ExAC 0.00001.
gnomAD v4.1: 1 of 1,612,018 alleles (0.000062%); highest among the groups gnomAD compares: Non-Finnish European, 0.000085%; no homozygotes.

Submission:

Labcorp Genetics (formerly Invitae), Labcorp
Classification: Uncertain significance for Beta-D-mannosidosis. Last evaluated: 2022-02-09. Review status: criteria provided, single submitter. Criteria: Invitae Variant Classification Sherloc (09022015). Collection method: clinical testing. Allele origin: germline.
Comment: This sequence change replaces serine, which is neutral and polar, with leucine, which is neutral and non-polar, at codon 715 of the MANBA protein (p.Ser715Leu). This variant is present in population databases (rs772444430, gnomAD 0.0009%). This variant has not been reported in the literature in individuals affected with MANBA-related conditions. Algorithms developed to predict the effect of missense changes on protein structure and function (SIFT, PolyPhen-2, Align-GVGD) all suggest that this variant is likely to be tolerated. In summary, the available evidence is currently insufficient to determine the role of this variant in disease. Therefore, it has been classified as a Variant of Uncertain Significance.

NM_005908.4(MANBA):c.2144C>T (p.Ser715Leu)

Gene: MANBA (mannosidase beta; minus strand). Cytogenetic location: 4q24.
Variant type: single nucleotide variant.
Coding change: c.2144C>T on transcript NM_005908.4 (MANE Select); coding-DNA position 2144, C replaced by T.
Protein change: p.Ser715Leu; replaces serine 715 with leucine.
Molecular consequence: missense variant.
Genome position (GRCh38, 1-based): chr4:102,635,878, G>A on the plus strand (C>T on the coding strand, the complement: MANBA is on the minus strand). VCF-style: chr4-102635878-G-A. GRCh37 (hg19) VCF-style: chr4-103557035-G-A.
Other names: short protein forms S715L.
Identifiers: ClinVar variation 2174742 (VCV002174742.1), dbSNP rs772444430, ClinGen allele CA3026706.
Genomic context (GRCh38, chr4:102,635,878, plus strand): 5'-CATCTAAAAGTCTCCTTCGATCTTAGAAAACAATCCAAGTAACTTACACTGAGTGTCATC[G>A]AATAATCCGAGTGAAGATCTGACACACCATAGATATAGAACGTGTTTTCATTCTCAAAGC-3'
Protein context (NP_005899.3, residues 705-725): YGVSDLHSDY[Ser715Leu]MTLSVRVHTW